The following is an entry in ClinVar:

ClinVar aggregate classification (germline): Uncertain significance (1 of 4 stars; one submission).

Conditions:
PCNT-related disorder. Also called: PCNT-related condition.

gnomAD v4.1: 6 of 1,613,998 alleles (0.00037%); highest among the groups gnomAD compares: Non-Finnish European, 0.00051%; no homozygotes.

Submission:

PreventionGenetics, part of Exact Sciences
Classification: Uncertain significance for PCNT-related condition. Last evaluated: 2025-12-29. Review status: criteria provided, single submitter. Criteria: ACMG Guidelines, 2015. Collection method: clinical testing. Allele origin: germline.
Comment: The PCNT c.229G>T variant is predicted to result in the amino acid substitution p.Asp77Tyr. To our knowledge, this variant has not been reported in the literature or in a large population database (gnomAD), indicating this variant is rare. At this time, the clinical significance of this variant is uncertain due to the absence of conclusive functional and genetic evidence.

NM_006031.6(PCNT):c.229G>T (p.Asp77Tyr)

Gene: PCNT (pericentrin; plus strand). Cytogenetic location: 21q22.3.
Variant type: single nucleotide variant.
Coding change: c.229G>T on transcript NM_006031.6 (MANE Select); coding-DNA position 229, G replaced by T.
Protein change: p.Asp77Tyr; replaces aspartic acid 77 with tyrosine.
Molecular consequence: missense variant. On other transcripts: 5 prime UTR variant (1).
Genome position (GRCh38, 1-based): chr21:46,326,551, G>T. VCF-style: chr21-46326551-G-T. GRCh37 (hg19) VCF-style: chr21-47746465-G-T.
Other names: c.-126G>T (NM_001315529.2); short protein forms D77Y.
Identifiers: ClinVar variation 4984283 (VCV004984283.1).